The following is an entry in ClinVar:

NM_006231.4(POLE):c.3567G>T (p.Leu1189=)

Gene: POLE (DNA polymerase epsilon, catalytic subunit; minus strand). Cytogenetic location: 12q24.33.
Variant type: single nucleotide variant.
Coding change: c.3567G>T on transcript NM_006231.4 (MANE Select); coding-DNA position 3567, G replaced by T.
Protein change: p.Leu1189=; no amino-acid change (leucine 1189 retained).
Molecular consequence: synonymous variant.
Genome position (GRCh38, 1-based): chr12:132,657,151, C>A on the plus strand (G>T on the coding strand, the complement: POLE is on the minus strand). VCF-style: chr12-132657151-C-A. GRCh37 (hg19) VCF-style: chr12-133233737-C-A.
Other names: c.3567G>T (NM_006231.2).
Identifiers: ClinVar variation 1974840 (VCV001974840.6), dbSNP rs2541998254, ClinGen allele CA482731372.

ClinVar aggregate classification (germline): Conflicting classifications of pathogenicity. Review status: criteria provided, conflicting classifications (1 of 4 stars). 2 submissions from 2 submitters: Uncertain significance (1); Likely benign (1). Last evaluated 2026-06-25.

Conditions:
Hereditary cancer-predisposing syndrome. Also called: Hereditary neoplastic syndrome; Neoplastic Syndromes, Hereditary; Tumor predisposition; Hereditary Cancer Syndrome. Identifiers: Orphanet 140162, MedGen C0027672, MeSH D009386, MONDO:0015356.

gnomAD v4.1: 1 of 1,614,016 alleles (0.000062%); highest among the groups gnomAD compares: Non-Finnish European, 0.000085%; no homozygotes.

Submissions (2):

Ambry Genetics
Classification: Uncertain significance for Hereditary cancer-predisposing syndrome. Last evaluated: 2026-06-25. Review status: criteria provided, single submitter. Criteria: Ambry Variant Classification Scheme 2023. Collection method: clinical testing. Allele origin: germline.
Comment: The c.3567G>T variant (also known as p.L1189L), located in coding exon 29 of the POLE gene, results from a G to T substitution at nucleotide position 3567. This nucleotide substitution does not change the amino acid at codon 1189. This nucleotide position is poorly conserved in available vertebrate species. In silico splice site analysis for this alteration is inconclusive. Based on the available evidence, the clinical significance of this variant remains unclear.

Labcorp Genetics (formerly Invitae), Labcorp
Classification: Likely benign. Last evaluated: 2022-07-19. Review status: criteria provided, single submitter. Criteria: Invitae Variant Classification Sherloc (09022015). Collection method: clinical testing. Allele origin: germline.